The following is an entry in ClinVar:

ClinVar aggregate classification (germline): Uncertain significance. Review status: criteria provided, multiple submitters, no conflicts (2 of 4 stars). 4 submissions from 4 submitters: Uncertain significance (4). Last evaluated 2025-02-15.

Conditions:
Sessile serrated polyposis cancer syndrome (SSPCS). Identifiers: Orphanet 157798, MedGen C4310714, MONDO:0014919, OMIM 617108.

Allele frequency attached by ClinVar (database versions not stated): gnomAD exomes below 0.00001.
gnomAD v4.1: 5 of 1,614,020 alleles (0.00031%); highest among the groups gnomAD compares: East Asian, 0.0045%; no homozygotes.

Submissions (4):

Ambry Genetics
Classification: Uncertain significance. Last evaluated: 2025-02-15. Review status: criteria provided, single submitter. Criteria: Ambry Variant Classification Scheme 2023. Collection method: clinical testing. Allele origin: germline.
Comment: The p.Q305R variant (also known as c.914A>G), located in coding exon 7 of the RNF43 gene, results from an A to G substitution at nucleotide position 914. The glutamine at codon 305 is replaced by arginine, an amino acid with highly similar properties. This amino acid position is conserved. In addition, this alteration is predicted to be tolerated by in silico analysis. Based on the available evidence, the clinical significance of this variant remains unclear.

Labcorp Genetics (formerly Invitae), Labcorp
Classification: Uncertain significance. Last evaluated: 2024-08-29. Review status: criteria provided, single submitter. Criteria: Invitae Variant Classification Sherloc (09022015). Collection method: clinical testing. Allele origin: germline.
Comment: This sequence change replaces glutamine, which is neutral and polar, with arginine, which is basic and polar, at codon 305 of the RNF43 protein (p.Gln305Arg). This variant is present in population databases (no rsID available, gnomAD 0.006%). This variant has not been reported in the literature in individuals affected with RNF43-related conditions. ClinVar contains an entry for this variant (Variation ID: 1398270). An algorithm developed to predict the effect of missense changes on protein structure and function (PolyPhen-2) suggests that this variant is likely to be disruptive. In summary, the available evidence is currently insufficient to determine the role of this variant in disease. Therefore, it has been classified as a Variant of Uncertain Significance.

Baylor Genetics
Classification: Uncertain significance for Sessile serrated polyposis cancer syndrome. Last evaluated: 2024-03-05. Review status: criteria provided, single submitter. Criteria: ACMG Guidelines, 2015. Collection method: clinical testing. Allele origin: unknown.

GeneDx
Classification: Uncertain significance. Last evaluated: 2023-05-19. Review status: criteria provided, single submitter. Criteria: GeneDx Variant Classification Process June 2021. Collection method: clinical testing. Allele origin: germline. Affected: yes.
Comment: Not observed at significant frequency in large population cohorts (gnomAD); In silico analysis supports that this missense variant has a deleterious effect on protein structure/function; Has not been previously published as pathogenic or benign to our knowledge; Variants in candidate genes are classified as variants of uncertain significance in accordance with ACMG guidelines (Richards et al., 2015)

NM_017763.6(RNF43):c.914A>G (p.Gln305Arg)

Gene: RNF43 (ring finger protein 43; minus strand). Cytogenetic location: 17q22.
Variant type: single nucleotide variant.
Coding change: c.914A>G on transcript NM_017763.6 (MANE Select); coding-DNA position 914, A replaced by G.
Protein change: p.Gln305Arg; replaces glutamine 305 with arginine.
Molecular consequence: missense variant.
Genome position (GRCh38, 1-based): chr17:58,360,187, T>C on the plus strand (A>G on the coding strand, the complement: RNF43 is on the minus strand). VCF-style: chr17-58360187-T-C. GRCh37 (hg19) VCF-style: chr17-56437548-T-C.
Other names: c.914A>G (NM_017763.4); c.914A>G, p.Gln305Arg (NM_001305544.3); c.533A>G, p.Gln178Arg (NM_001305545.2); short protein forms Q178R, Q305R.
Identifiers: ClinVar variation 1398270 (VCV001398270.12), dbSNP rs889865921, ClinGen allele CA292013671.